The following is an entry in ClinVar:

NM_177438.3(DICER1):c.4102dup (p.Arg1368fs)

Gene: DICER1 (dicer 1, ribonuclease III; minus strand). Cytogenetic location: 14q32.13.
Variant type: Duplication.
Coding change: c.4102dup on transcript NM_177438.3 (MANE Select); coding-DNA position 4102, one base duplicated (C; older notation c.4102dupC).
Protein change: p.Arg1368fs; shifts the reading frame from arginine 1368.
Molecular consequence: frameshift variant.
Genome position (GRCh38, 1-based): chr14:95,099,884, G duplicated on the plus strand (C on the coding strand, the reverse complement: DICER1 is on the minus strand); the first of 2 consecutive G bases (chr14:95,099,884-95,099,885); duplicating either gives the same sequence. VCF-style (leftmost placement, unchanged base first): chr14-95099883-C-CG. GRCh37 (hg19) VCF-style: chr14-95566220-C-CG.
Other names: c.4102dupC (NM_177438.2); c.4102dup, p.Arg1368fs (NM_001195573.1, NM_001271282.3, NM_001291628.2 and 1 more transcripts); short protein forms R1368fs.
Identifiers: ClinVar variation 929949 (VCV000929949.13), dbSNP rs1890722878, ClinGen allele CA1139663706.

ClinVar aggregate classification (germline): Pathogenic/Likely pathogenic. Review status: criteria provided, multiple submitters, no conflicts (2 of 4 stars). 4 submissions from 4 submitters: Pathogenic (2); Likely pathogenic (2). Last evaluated 2025-06-06.

Conditions:
DICER1-related tumor predisposition. Also called: DICER1-related pleuropulmonary blastoma cancer predisposition syndrome; DICER1 syndrome. Identifiers: Orphanet 284343, MedGen C3839822, MONDO:0100216.
Hereditary cancer-predisposing syndrome. Also called: Tumor predisposition; Hereditary neoplastic syndrome; Neoplastic Syndromes, Hereditary; Hereditary Cancer Syndrome. Identifiers: Orphanet 140162, MedGen C0027672, MeSH D009386, MONDO:0015356.

Submissions (4):

Institute for Genomic Medicine (IGM) Clinical Laboratory, Nationwide Children's Hospital
Classification: Likely pathogenic for DICER1-related tumor predisposition. Last evaluated: 2025-06-06. Review status: criteria provided, single submitter. Criteria: ACMG Guidelines, 2015. Collection method: clinical testing. Allele origin: germline.
Comment: This variant is predicted to result in loss of function through nonsense-mediated decay of the encoded transcript or premature truncation of the encoded protein in a gene in which loss of function is a known mechanism of disease (ACMG/AMP: PVS1; PMIDs:26925222, 31342592). This variant is absent from or present at an exceedingly low frequency in gnomAD, a large-scale control population database (ACMG/AMP: PM2).

Labcorp Genetics (formerly Invitae), Labcorp
Classification: Pathogenic for DICER1-related tumor predisposition. Last evaluated: 2025-03-31. Review status: criteria provided, single submitter. Criteria: Invitae Variant Classification Sherloc (09022015). Collection method: clinical testing. Allele origin: germline.
Comment: This sequence change creates a premature translational stop signal (p.Arg1368Profs*8) in the DICER1 gene. It is expected to result in an absent or disrupted protein product. Loss-of-function variants in DICER1 are known to be pathogenic (PMID: 19556464, 21266384). This variant is not present in population databases (gnomAD no frequency). This variant has not been reported in the literature in individuals affected with DICER1-related conditions. ClinVar contains an entry for this variant (Variation ID: 929949). For these reasons, this variant has been classified as Pathogenic.

Ambry Genetics
Classification: Pathogenic for Hereditary cancer-predisposing syndrome. Last evaluated: 2025-03-15. Review status: criteria provided, single submitter. Criteria: Ambry Variant Classification Scheme 2023. Collection method: clinical testing. Allele origin: germline.
Comment: The c.4102dupC pathogenic mutation, located in coding exon 21 of the DICER1 gene, results from a duplication of C at nucleotide position 4102, causing a translational frameshift with a predicted alternate stop codon (p.R1368Pfs*8). This variant was identified in one or more individuals with features consistent with DICER1-related tumor predisposition syndrome and segregated with disease in at least one family (Ambry internal data). This variant is considered to be rare based on population cohorts in the Genome Aggregation Database (gnomAD). This alteration is expected to result in loss of function by premature protein truncation or nonsense-mediated mRNA decay. As such, this alteration is interpreted as a disease-causing mutation.

Laboratory for Molecular Medicine, Mass General Brigham Personalized Medicine
Classification: Likely pathogenic for DICER1-related tumor predisposition. Last evaluated: 2019-03-22. Review status: criteria provided, single submitter. Criteria: LMM Criteria. Collection method: clinical testing. Allele origin: germline. Inheritance: Autosomal dominant inheritance. Observed: 1 variant allele.
Comment: The p.Arg1368fs variant in DICER1 has not been previously reported in individuals with DICER1-related disorders and was absent from large population studies. This variant is predicted to cause a frameshift, which alters the proteinâ€™s amino acid sequence beginning at position 1368 and leads to a premature termination codon 8 amino acids downstream. This alteration is then predicted to lead to a truncated or absent protein. Heterozygous loss of function of the DICER1 gene is an established disease mechanism in DICER1-related disorders. In summary, although additional studies are required to fully establish its clinical significance, the p.Arg1368fs variant is likely pathogenic. ACMG/AMP Criteria applied: PVS1; PM2.

Literature cited by the submitters: PubMed 26925222 (cited by Institute for Genomic Medicine (IGM) Clinical Laboratory, Nationwide Children's Hospital); PubMed 31342592 (cited by Institute for Genomic Medicine (IGM) Clinical Laboratory, Nationwide Children's Hospital); PubMed 19556464 (cited by Labcorp Genetics (formerly Invitae), Labcorp); PubMed 21266384 (cited by Labcorp Genetics (formerly Invitae), Labcorp).